The following is an entry in ClinVar:

NM_001100913.3(PACS2):c.1522C>T (p.Leu508Phe)

Gene: PACS2 (phosphofurin acidic cluster sorting protein 2; plus strand). Cytogenetic location: 14q32.33.
Variant type: single nucleotide variant.
Coding change: c.1522C>T on transcript NM_001100913.3 (MANE Select); coding-DNA position 1522, C replaced by T.
Protein change: p.Leu508Phe; replaces leucine 508 with phenylalanine.
Molecular consequence: missense variant.
Genome position (GRCh38, 1-based): chr14:105,382,810, C>T. VCF-style: chr14-105382810-C-T. GRCh37 (hg19) VCF-style: chr14-105849147-C-T.
Other names: c.1285C>T, p.Leu429Phe (NM_001243127.3); c.1510C>T, p.Leu504Phe (NM_015197.4); short protein forms L429F, L504F, L508F.
Identifiers: ClinVar variation 2571853 (VCV002571853.1), dbSNP rs2544812985, ClinGen allele CA391182607.

ClinVar aggregate classification (germline): Uncertain significance (1 of 4 stars; one submission).

Submission:

GeneDx
Classification: Uncertain significance. Last evaluated: 2023-01-05. Review status: criteria provided, single submitter. Criteria: GeneDx Variant Classification Process June 2021. Collection method: clinical testing. Allele origin: germline. Affected: yes.
Comment: In silico analysis supports that this missense variant has a deleterious effect on protein structure/function; Not observed at significant frequency in large population cohorts (gnomAD); Has not been previously published as pathogenic or benign to our knowledge